The following is an entry in ClinVar:

NM_001098.3(ACO2):c.1057T>G (p.Phe353Val)

Gene: ACO2 (aconitase 2; plus strand). Cytogenetic location: 22q13.2.
Variant type: single nucleotide variant.
Coding change: c.1057T>G on transcript NM_001098.3 (MANE Select); coding-DNA position 1057, T replaced by G.
Protein change: p.Phe353Val; replaces phenylalanine 353 with valine.
Molecular consequence: missense variant.
Genome position (GRCh38, 1-based): chr22:41,520,195, T>G. VCF-style: chr22-41520195-T-G. GRCh37 (hg19) VCF-style: chr22-41916199-T-G.
Other names: short protein forms F353V.
Identifiers: ClinVar variation 1390731 (VCV001390731.9), dbSNP rs2146130915, ClinGen allele CA411723864.

ClinVar aggregate classification (germline): Uncertain significance. Review status: criteria provided, multiple submitters, no conflicts (2 of 4 stars). 2 submissions from 2 submitters: Uncertain significance (2). Last evaluated 2022-03-02.

Submissions (2):

Blueprint Genetics
Classification: Uncertain significance. Last evaluated: 2022-03-02. Review status: criteria provided, single submitter. Criteria: ACMG Guidelines, 2015. Collection method: clinical testing. Allele origin: germline.

Labcorp Genetics (formerly Invitae), Labcorp
Classification: Uncertain significance. Last evaluated: 2022-02-10. Review status: criteria provided, single submitter. Criteria: Invitae Variant Classification Sherloc (09022015). Collection method: clinical testing. Allele origin: germline.
Comment: Advanced modeling of protein sequence and biophysical properties (such as structural, functional, and spatial information, amino acid conservation, physicochemical variation, residue mobility, and thermodynamic stability) performed at Invitae indicates that this missense variant is expected to disrupt ACO2 protein function. This variant has not been reported in the literature in individuals affected with ACO2-related conditions. This variant is not present in population databases (gnomAD no frequency). This sequence change replaces phenylalanine, which is neutral and non-polar, with valine, which is neutral and non-polar, at codon 353 of the ACO2 protein (p.Phe353Val). In summary, the available evidence is currently insufficient to determine the role of this variant in disease. Therefore, it has been classified as a Variant of Uncertain Significance.